The following is an entry in ClinVar:

NM_006031.6(PCNT):c.8996+10C>T

Gene: PCNT (pericentrin; plus strand). Cytogenetic location: 21q22.3.
Variant type: single nucleotide variant.
Coding change: c.8996+10C>T on transcript NM_006031.6 (MANE Select); 10 bases into the intron after coding-DNA position 8996, C replaced by T.
Molecular consequence: intron variant.
Genome position (GRCh38, 1-based): chr21:46,436,158, C>T. VCF-style: chr21-46436158-C-T. GRCh37 (hg19) VCF-style: chr21-47856071-C-T.
Other names: c.8405+10C>T (NM_001315529.2); c.8996+10C>T (NM_006031.5).
Identifiers: ClinVar variation 3008435 (VCV003008435.4), dbSNP rs748036380, ClinGen allele CA322024000.

ClinVar aggregate classification (germline): Likely benign. Review status: criteria provided, single submitter (1 of 4 stars). 2 submissions from 2 submitters: Likely benign (1). 1 of the submissions does not count toward it. Last evaluated 2025-11-15.

Conditions:
PCNT-related disorder. Also called: PCNT-related condition.

gnomAD v4.1: 6 of 1,604,310 alleles (0.00037%); highest among the groups gnomAD compares: Middle Eastern, 0.018%; no homozygotes.

Submissions (2):

Labcorp Genetics (formerly Invitae), Labcorp
Classification: Likely benign. Last evaluated: 2025-11-15. Review status: criteria provided, single submitter. Criteria: Invitae Variant Classification Sherloc (09022015). Collection method: clinical testing. Allele origin: germline.

PreventionGenetics, part of Exact Sciences
Classification: Likely benign for PCNT-related condition. Last evaluated: 2022-07-26. Review status: no assertion criteria provided. Collection method: clinical testing. Allele origin: germline. Not counted in ClinVar's aggregate classification.
Comment: This variant is classified as likely benign based on ACMG/AMP sequence variant interpretation guidelines (Richards et al. 2015 PMID: 25741868, with internal and published modifications).